The following is an entry in ClinVar:

NM_007294.4(BRCA1):c.3954T>G (p.Ile1318Met)

Genes: BRCA1 (BRCA1 DNA repair associated; minus strand), LOC126862571 (BRD4-independent group 4 enhancer GRCh37_chr17:41243136-41244335; plus strand). Cytogenetic location: 17q21.31.
Variant type: single nucleotide variant.
Coding change: c.3954T>G on transcript NM_007294.4 (MANE Select); coding-DNA position 3954, T replaced by G.
Protein change: p.Ile1318Met; replaces isoleucine 1318 with methionine.
Molecular consequence: missense variant. On other transcripts: intron variant (135).
Genome position (GRCh38, 1-based): chr17:43,091,577, A>C on the plus strand (T>G on the coding strand, the complement: BRCA1 is on the minus strand). VCF-style: chr17-43091577-A-C. GRCh37 (hg19) VCF-style: chr17-41243594-A-C.
Other names: c.3831T>G, p.Ile1277Met (NM_001407675.1, NM_001407676.1, NM_001407677.1 and 19 more transcripts); c.3954T>G, p.Ile1318Met (NM_001407684.1, NM_001407854.1, NM_001407858.1 and 30 more transcripts); c.3828T>G, p.Ile1276Met (NM_001407685.1, NM_001407686.1, NM_001407687.1 and 11 more transcripts); c.3813T>G, p.Ile1271Met (NM_001407692.1, NM_001407694.1, NM_001407695.1 and 29 more transcripts); c.3810T>G, p.Ile1270Met (NM_001407740.1, NM_001407741.1, NM_001407742.1 and 20 more transcripts); c.3741T>G, p.Ile1247Met (NM_001407853.1, NM_001407571.1, NM_001407894.1 and 9 more transcripts); c.3951T>G, p.Ile1317Met (NM_001407860.1, NM_001407861.1, NM_001407587.1 and 22 more transcripts); c.3753T>G, p.Ile1251Met (NM_001407862.1); and 41 more; short protein forms I1022M, I1150M, I1190M, I1191M, I1206M, I1207M, I1229M, I1230M.
Identifiers: ClinVar variation 4856429 (VCV004856429.1).
Genomic context (GRCh38, chr17:43,091,577, plus strand): 5'-CTTGTCACTCAGACCAACTCCCTGGCTTTCAGACTGATGCCTCATTTGTTTGGAAGAACC[A>C]ATCAAGAAAGGATCCTGGGTGTTTGTATTTGCAGTCAAGTCTTCCAATTCACTGCACTGT-3'
Protein context (NP_009225.1, residues 1308-1328): ANTNTQDPFL[Ile1318Met]GSSKQMRHQS

ClinVar aggregate classification (germline): Likely benign (1 of 4 stars; one submission).

Conditions:
Breast-ovarian cancer, familial, susceptibility to, 1 (BROVCA1). Also called: OVARIAN CANCER, SUSCEPTIBILITY TO; BRCA1 Hereditary Breast and Ovarian Cancer. Identifiers: Orphanet 145, MedGen C2676676, MONDO:0011450, OMIM 604370. Disease mechanism: loss of function.

gnomAD v4.1: 1 of 1,614,204 alleles (0.000062%); highest among the groups gnomAD compares: South Asian, 0.0011%; no homozygotes.

Submission:

Cancer Bioinformatics and Tumour Evolution Laboratory, Monash University
Classification: Likely benign for Breast-ovarian cancer, familial, susceptibility to, 1. Last evaluated: 2026-05-01. Review status: criteria provided, single submitter. Criteria: ClinGen BRCA1 and BRCA2 Guidelines, 2024. Collection method: curation. Allele origin: germline. Inheritance: Autosomal dominant inheritance.
Comment: Missense variant outside of a functional domain with no splice impact. BRCA1 and BRCA2 VCEP guidelines recommend application of BP1_Strong (PMID: 39142283)